The following is an entry in ClinVar:

NM_001384140.1(PCDH15):c.1866_1867dup (p.Leu623fs)

Gene: PCDH15 (protocadherin related 15; minus strand). Cytogenetic location: 10q21.1.
Variant type: Duplication.
Coding change: c.1866_1867dup on transcript NM_001384140.1 (MANE Select); coding-DNA positions 1866 to 1867, 2 bases duplicated (CC; older notation c.1866_1867dupCC).
Protein change: p.Leu623fs; shifts the reading frame from leucine 623.
Molecular consequence: frameshift variant. On other transcripts: intron variant (1).
Genome position (GRCh38, 1-based): chr10:54,132,925-54,132,926, GG duplicated on the plus strand (CC on the coding strand, the reverse complement: PCDH15 is on the minus strand). VCF-style (leftmost placement, unchanged base first): chr10-54132924-A-AGG. GRCh37 (hg19) VCF-style: chr10-55892684-A-AGG.
Other names: c.1881_1882dup, p.Leu628fs (NM_001142763.2, NM_001142771.2); c.1866_1867dup, p.Leu623fs (NM_001142764.2, NM_001142766.2, NM_001142770.3 and 5 more transcripts); c.1755_1756dup, p.Leu586fs (NM_001142767.2); c.1800_1801dup, p.Leu601fs (NM_001142768.2, NM_001142773.2, NM_001354404.2); c.1902_1903dup, p.Leu635Profs (NM_001142769.4); c.1887_1888dup, p.Leu630fs (NM_001354411.2); c.1784+20174_1784+20175dup (NM_001142765.2); short protein forms L586fs, L601fs, L623fs, L628fs, L630fs, L635fs.
Identifiers: ClinVar variation 3601610 (VCV003601610.1).

ClinVar aggregate classification (germline): Likely pathogenic (1 of 4 stars; one submission).

Conditions:
Autosomal recessive nonsyndromic hearing loss 23. Identifiers: Orphanet 90636, MedGen C1836027, MONDO:0012293, OMIM 609533.

Submission:

Institute of Rare Diseases, West China Hospital, Sichuan University
Classification: Likely pathogenic for Autosomal recessive nonsyndromic hearing loss 23. Last evaluated: 2025-01-09. Review status: criteria provided, single submitter. Criteria: ClinGen HL ACMG Specifications v1. Collection method: research. Allele origin: germline. Affected: yes.
Comment: PVS1;PM2_Supporting